The following is an entry in ClinVar:

NM_000522.5(HOXA13):c.375_398dup (p.Ala133_Ser134insAlaAlaAlaAlaAlaAlaAlaAla)

Genes: HOXA13 (homeobox A13; minus strand), LOC107126288 (NUP98-HOXA13 recombination region; plus strand). Cytogenetic location: 7p15.2.
Variant type: Duplication.
Coding change: c.375_398dup on transcript NM_000522.5 (MANE Select); coding-DNA positions 375 to 398, 24 bases duplicated (TGCAGCCGCCGCCGCCGCCGCCGC).
Protein change: p.Ala133_Ser134insAlaAlaAlaAlaAlaAlaAlaAla.
Molecular consequence: inframe insertion.
Genome position (GRCh38, 1-based): chr7:27,199,680-27,199,703, GCGGCGGCGGCGGCGGCGGCTGCA duplicated on the plus strand (TGCAGCCGCCGCCGCCGCCGCCGC on the coding strand, the reverse complement: HOXA13 is on the minus strand); duplicating any 24 consecutive bases within chr7:27,199,680-27,199,708 gives the same sequence; the c. name uses the placement nearest the transcript's 3' end. VCF-style (leftmost placement, unchanged base first): chr7-27199679-C-CGCGGCGGCGGCGGCGGCGGCTGCA. GRCh37 (hg19) VCF-style: chr7-27239298-C-CGCGGCGGCGGCGGCGGCGGCTGCA.
Identifiers: ClinVar variation 2129002 (VCV002129002.4), dbSNP rs1554275877, ClinGen allele CA917968895.

ClinVar aggregate classification (germline): Uncertain significance (1 of 4 stars; one submission).

Submission:

Labcorp Genetics (formerly Invitae), Labcorp
Classification: Uncertain significance. Last evaluated: 2022-04-21. Review status: criteria provided, single submitter. Criteria: Invitae Variant Classification Sherloc (09022015). Collection method: clinical testing. Allele origin: germline.
Comment: In summary, the available evidence is currently insufficient to determine the role of this variant in disease. Therefore, it has been classified as a Variant of Uncertain Significance. This variant has not been reported in the literature in individuals affected with HOXA13-related conditions. The frequency data for this variant in the population databases is considered unreliable, as metrics indicate insufficient coverage at this position in the gnomAD database. This variant, c.375_398dup, results in the insertion of 8 amino acid(s) of the HOXA13 protein (p.Ala126_Ala133dup), but otherwise preserves the integrity of the reading frame.